The following is an entry in ClinVar:

NM_005055.5(RAPSN):c.1102G>A (p.Glu368Lys)

Gene: RAPSN (receptor associated protein of the synapse; minus strand). Cytogenetic location: 11p11.2.
Variant type: single nucleotide variant.
Coding change: c.1102G>A on transcript NM_005055.5 (MANE Select); coding-DNA position 1102, G replaced by A.
Protein change: p.Glu368Lys; replaces glutamic acid 368 with lysine.
Molecular consequence: missense variant.
Genome position (GRCh38, 1-based): chr11:47,438,796, C>T on the plus strand (G>A on the coding strand, the complement: RAPSN is on the minus strand). VCF-style: chr11-47438796-C-T. GRCh37 (hg19) VCF-style: chr11-47460347-C-T.
Other names: c.925G>A, p.Glu309Lys (NM_032645.5); short protein forms E309K, E368K.
Identifiers: ClinVar variation 1442840 (VCV001442840.5), dbSNP rs756519962, ClinGen allele CA5976500.

ClinVar aggregate classification (germline): Uncertain significance (1 of 4 stars; one submission).

Conditions:
Fetal akinesia deformation sequence 1 (FADS1). Also called: Pena-Shokeir syndrome type I; Fetal akinesia sequence. Identifiers: Orphanet 994, MedGen C1276035, MONDO:0100101, OMIM 208150, HP:0001989.
Congenital myasthenic syndrome 11. Also called: Myasthenic syndrome, congenital, 11, associated with acetylcholine receptor deficiency; MYASTHENIC SYNDROME, CONGENITAL, Ie. Identifiers: Orphanet 590, MedGen C4225367, MONDO:0014588, OMIM 616326.

Allele frequency attached by ClinVar (database versions not stated): gnomAD 0.00001; gnomAD exomes 0.00001; TOPMed 0.00001.
gnomAD v4.1: 5 of 1,571,796 alleles (0.00032%); highest among the groups gnomAD compares: African/African-American, 0.0013%; no homozygotes.

Submission:

Labcorp Genetics (formerly Invitae), Labcorp
Classification: Uncertain significance for Congenital myasthenic syndrome 11; Fetal akinesia deformation sequence 1. Last evaluated: 2021-08-27. Review status: criteria provided, single submitter. Criteria: Invitae Variant Classification Sherloc (09022015). Collection method: clinical testing. Allele origin: germline.
Comment: This sequence change replaces glutamic acid with lysine at codon 368 of the RAPSN protein (p.Glu368Lys). The glutamic acid residue is highly conserved and there is a small physicochemical difference between glutamic acid and lysine. The frequency data for this variant in the population databases is considered unreliable, as metrics indicate poor data quality at this position in the ExAC database. This variant has not been reported in the literature in individuals affected with RAPSN-related conditions. Algorithms developed to predict the effect of missense changes on protein structure and function are either unavailable or do not agree on the potential impact of this missense change (SIFT: "Deleterious"; PolyPhen-2: "Benign"; Align-GVGD: "Class C0"). In summary, the available evidence is currently insufficient to determine the role of this variant in disease. Therefore, it has been classified as a Variant of Uncertain Significance.